The following is an entry in ClinVar:

NM_004364.5(CEBPA):c.995G>A (p.Ser332Asn)

Gene: CEBPA (CCAAT enhancer binding protein alpha; minus strand). Cytogenetic location: 19q13.11.
Variant type: single nucleotide variant.
Coding change: c.995G>A on transcript NM_004364.5 (MANE Select); coding-DNA position 995, G replaced by A.
Protein change: p.Ser332Asn; replaces serine 332 with asparagine.
Molecular consequence: missense variant.
Genome position (GRCh38, 1-based): chr19:33,301,420, C>T on the plus strand (G>A on the coding strand, the complement: CEBPA is on the minus strand). VCF-style: chr19-33301420-C-T. GRCh37 (hg19) VCF-style: chr19-33792326-C-T.
Other names: c.638G>A, p.Ser213Asn (NM_001285829.2); c.1100G>A, p.Ser367Asn (NM_001287424.2); c.953G>A, p.Ser318Asn (NM_001287435.2); short protein forms S213N, S318N, S332N, S367N.
Identifiers: ClinVar variation 3999979 (VCV003999979.1).

ClinVar aggregate classification (germline): Uncertain significance (1 of 4 stars; one submission).

Conditions:
Inborn genetic diseases. Identifiers: MedGen C0950123, MeSH D030342.

Submission:

Ambry Genetics
Classification: Uncertain significance for Inborn genetic diseases. Last evaluated: 2025-03-24. Review status: criteria provided, single submitter. Criteria: Ambry Variant Classification Scheme 2023. Collection method: clinical testing. Allele origin: germline.
Comment: The p.S332N variant (also known as c.995G>A), located in coding exon 1 of the CEBPA gene, results from a G to A substitution at nucleotide position 995. The serine at codon 332 is replaced by asparagine, an amino acid with highly similar properties. This amino acid position is conserved. In addition, this alteration is predicted to be tolerated by in silico analysis. Based on the available evidence, the clinical significance of this variant remains unclear.